The following is an entry in ClinVar:

NM_000038.6(APC):c.5297A>G (p.Asp1766Gly)

Gene: APC (APC regulator of Wnt signaling pathway; plus strand). Cytogenetic location: 5q22.2.
Variant type: single nucleotide variant.
Coding change: c.5297A>G on transcript NM_000038.6 (MANE Select); coding-DNA position 5297, A replaced by G.
Protein change: p.Asp1766Gly; replaces aspartic acid 1766 with glycine.
Molecular consequence: missense variant.
Genome position (GRCh38, 1-based): chr5:112,840,891, A>G. VCF-style: chr5-112840891-A-G. GRCh37 (hg19) VCF-style: chr5-112176588-A-G.
Other names: c.4817A>G, p.Asp1606Gly (NM_001354905.2); c.4448A>G, p.Asp1483Gly (NM_001354906.2); c.5297A>G, p.Asp1766Gly (NM_001127510.3, NM_001354895.2); c.5243A>G, p.Asp1748Gly (NM_001127511.3); c.5351A>G, p.Asp1784Gly (NM_001354896.2); c.5327A>G, p.Asp1776Gly (NM_001354897.2); c.5222A>G, p.Asp1741Gly (NM_001354898.2); c.5213A>G, p.Asp1738Gly (NM_001354899.2); and 5 more; short protein forms D1665G, D1675G, D1766G, D1776G, D1606G, D1640G, D1707G, D1725G.
Identifiers: ClinVar variation 825625 (VCV000825625.15), dbSNP rs1580658503, ClinGen allele CA16032911.

ClinVar aggregate classification (germline): Uncertain significance. Review status: criteria provided, multiple submitters, no conflicts (2 of 4 stars). 2 submissions from 2 submitters: Uncertain significance (2). Last evaluated 2025-08-01.

Conditions:
Hereditary cancer-predisposing syndrome. Also called: Neoplastic Syndromes, Hereditary; Tumor predisposition; Hereditary neoplastic syndrome; Hereditary Cancer Syndrome. Identifiers: Orphanet 140162, MedGen C0027672, MeSH D009386, MONDO:0015356.
Familial adenomatous polyposis 1 (FAP1). Also called: POLYPOSIS, ADENOMATOUS INTESTINAL; FAMILIAL ADENOMATOUS POLYPOSIS 1, ATTENUATED. Identifiers: MedGen C2713442, MONDO:0021056, OMIM 175100. Disease mechanism: loss of function.

Submissions (2):

Ambry Genetics
Classification: Uncertain significance for Hereditary cancer-predisposing syndrome. Last evaluated: 2025-08-01. Review status: criteria provided, single submitter. Criteria: Ambry Variant Classification Scheme 2023. Collection method: clinical testing. Allele origin: germline.
Comment: The p.D1766G variant (also known as c.5297A>G), located in coding exon 15 of the APC gene, results from an A to G substitution at nucleotide position 5297. The aspartic acid at codon 1766 is replaced by glycine, an amino acid with similar properties. This amino acid position is well conserved in available vertebrate species. In addition, in silico predictors for this gene do not accurately predict pathogenicity. Missense alterations in APC are not a common cause of disease (Spier I et al. Genet Med. 2024 Feb;26(2):100992). Based on the available evidence, the clinical significance of this variant remains unclear.

Labcorp Genetics (formerly Invitae), Labcorp
Classification: Uncertain significance for Familial adenomatous polyposis 1. Last evaluated: 2025-04-13. Review status: criteria provided, single submitter. Criteria: Invitae Variant Classification Sherloc (09022015). Collection method: clinical testing. Allele origin: germline.
Comment: This sequence change replaces aspartic acid, which is acidic and polar, with glycine, which is neutral and non-polar, at codon 1766 of the APC protein (p.Asp1766Gly). This variant is not present in population databases (gnomAD no frequency). This variant has not been reported in the literature in individuals affected with APC-related conditions. ClinVar contains an entry for this variant (Variation ID: 825625). Invitae Evidence Modeling of protein sequence and biophysical properties (such as structural, functional, and spatial information, amino acid conservation, physicochemical variation, residue mobility, and thermodynamic stability) indicates that this missense variant is not expected to disrupt APC protein function with a negative predictive value of 95%. In summary, the available evidence is currently insufficient to determine the role of this variant in disease. Therefore, it has been classified as a Variant of Uncertain Significance.